The following is an entry in ClinVar:

ClinVar aggregate classification (germline): Uncertain significance (1 of 4 stars; one submission).

Allele frequency attached by ClinVar (database versions not stated): ExAC 0.00006; gnomAD exomes 0.00006; TOPMed 0.00007; gnomAD 0.00008; 1000 Genomes Project 30x 0.00031; 1000 Genomes Project 0.00040.
gnomAD v4.1: 102 of 1,550,400 alleles (0.0066%); highest among the groups gnomAD compares: Middle Eastern, 0.035%; no homozygotes.

Submissions (2):

Labcorp Genetics (formerly Invitae), Labcorp
Classification: Uncertain significance. Last evaluated: 2022-07-03. Review status: criteria provided, single submitter. Criteria: Invitae Variant Classification Sherloc (09022015). Collection method: clinical testing. Allele origin: germline.
Comment: This sequence change replaces arginine, which is basic and polar, with glutamine, which is neutral and polar, at codon 98 of the ADAMTSL4 protein (p.Arg98Gln). This variant is present in population databases (rs587593757, gnomAD 0.01%). This variant has not been reported in the literature in individuals affected with ADAMTSL4-related conditions. Algorithms developed to predict the effect of missense changes on protein structure and function output the following: SIFT: "Tolerated"; PolyPhen-2: "Benign"; Align-GVGD: "Class C0". The glutamine amino acid residue is found in multiple mammalian species, which suggests that this missense change does not adversely affect protein function. In summary, the available evidence is currently insufficient to determine the role of this variant in disease. Therefore, it has been classified as a Variant of Uncertain Significance.

Dr. Peter K. Rogan Lab, Western University
No classification provided (evidence only). Condition: Ovarian serous cystadenocarcinoma. Review status: no classification provided. Collection method: in vitro. Allele origin: not applicable. Functional consequence: retained intron. Not counted in ClinVar's aggregate classification.

NM_019032.6(ADAMTSL4):c.293G>A (p.Arg98Gln)

Genes: ADAMTSL4 (ADAMTS like 4; plus strand), ADAMTSL4-AS2 (ADAMTSL4 antisense RNA 2; minus strand). Cytogenetic location: 1q21.2.
Variant type: single nucleotide variant.
Coding change: c.293G>A on transcript NM_019032.6 (MANE Select); coding-DNA position 293, G replaced by A.
Protein change: p.Arg98Gln; replaces arginine 98 with glutamine.
Molecular consequence: missense variant.
Genome position (GRCh38, 1-based): chr1:150,553,112, G>A. VCF-style: chr1-150553112-G-A. GRCh37 (hg19) VCF-style: chr1-150525588-G-A.
Other names: c.293G>A, p.Arg98Gln (NM_001288607.2, NM_001288608.2, NM_001378596.1 and 1 more transcripts); short protein forms R98Q.
Identifiers: ClinVar variation 2167803 (VCV002167803.2), dbSNP rs587593757, ClinGen allele CA1077922.